The following is an entry in ClinVar:

ClinVar aggregate classification (germline): Uncertain significance (1 of 4 stars; one submission).

Conditions:
Oligodontia-cancer predisposition syndrome. Also called: TOOTH AGENESIS-COLORECTAL CANCER SYNDROME. Identifiers: Orphanet 300576, MedGen C1837750, MONDO:0012075, OMIM 608615. Disease mechanism: loss of function.

Submission:

Labcorp Genetics (formerly Invitae), Labcorp
Classification: Uncertain significance for Oligodontia-cancer predisposition syndrome. Last evaluated: 2025-02-07. Review status: criteria provided, single submitter. Criteria: Invitae Variant Classification Sherloc (09022015). Collection method: clinical testing. Allele origin: germline.
Comment: This sequence change replaces alanine, which is neutral and non-polar, with serine, which is neutral and polar, at codon 371 of the AXIN2 protein (p.Ala371Ser). This variant is not present in population databases (gnomAD no frequency). This variant has not been reported in the literature in individuals affected with AXIN2-related conditions. Invitae Evidence Modeling of protein sequence and biophysical properties (such as structural, functional, and spatial information, amino acid conservation, physicochemical variation, residue mobility, and thermodynamic stability) indicates that this missense variant is expected to disrupt AXIN2 protein function with a positive predictive value of 80%. In summary, the available evidence is currently insufficient to determine the role of this variant in disease. Therefore, it has been classified as a Variant of Uncertain Significance.

NM_004655.4(AXIN2):c.1111G>T (p.Ala371Ser)

Gene: AXIN2 (axin 2; minus strand). Cytogenetic location: 17q24.1.
Variant type: single nucleotide variant.
Coding change: c.1111G>T on transcript NM_004655.4 (MANE Select); coding-DNA position 1111, G replaced by T.
Protein change: p.Ala371Ser; replaces alanine 371 with serine.
Molecular consequence: missense variant.
Genome position (GRCh38, 1-based): chr17:65,538,292, C>A on the plus strand (G>T on the coding strand, the complement: AXIN2 is on the minus strand). VCF-style: chr17-65538292-C-A. GRCh37 (hg19) VCF-style: chr17-63534410-C-A.
Other names: c.1111G>T, p.Ala371Ser (NM_001363813.1); short protein forms A371S.
Identifiers: ClinVar variation 4745451 (VCV004745451.1).
Genomic context (GRCh38, chr17:65,538,292, plus strand): 5'-GGCTGTGGCGGCTCTCCAACTCCAGCTTCAGCTTTTCCAGCCTCGAGATCAGCTCAGCTG[C>A]AAAGGTGGCGGGTTCCACGGGGGTCATCTCCTTGGGCAGGCGGTGGGTTCTCTACAGGAC-3'
Protein context (NP_004646.3, residues 361-381): EMTPVEPATF[Ala371Ser]AELISRLEKL